The following is an entry in ClinVar:

NC_000007.13:g.(?_42116331)_(42188087_?)del

Gene: GLI3 (GLI family zinc finger 3; minus strand). Cytogenetic location: 7p14.1.
Variant type: Deletion.
Identifiers: ClinVar variation 1072387 (VCV001072387.7).

ClinVar aggregate classification (germline): Pathogenic (1 of 4 stars; one submission).

Conditions:
Pallister-Hall syndrome (PHS). Also called: HYPOTHALAMIC HAMARTOBLASTOMA, HYPOPITUITARISM, IMPERFORATE ANUS, AND POSTAXIAL POLYDACTYLY; GLI3-Related Pallister-Hall Syndrome. Identifiers: Orphanet 672, MedGen C0265220, MONDO:0007804, OMIM 146510.
Greig cephalopolysyndactyly syndrome (GCPS). Also called: POLYSYNDACTYLY WITH PECULIAR SKULL SHAPE; GLI3-Related Greig Cephalopolysyndactyly Syndrome; Greig syndrome. Identifiers: Orphanet 380, MedGen C0265306, MONDO:0008287, OMIM 175700.

Submission:

Labcorp Genetics (formerly Invitae), Labcorp
Classification: Pathogenic for Pallister-Hall syndrome; Greig cephalopolysyndactyly syndrome. Last evaluated: 2020-08-31. Review status: criteria provided, single submitter. Criteria: Invitae Variant Classification Sherloc (09022015). Collection method: clinical testing. Allele origin: germline.
Comment: For these reasons, this variant has been classified as Pathogenic. Loss-of-function variants in GLI3 are known to be pathogenic (PMID: 10441570, 15739154, 18000979, 24736735). This variant has been observed in individual(s) with Greig cephalopolysyndactyly syndrome (PMID: 15739154). This variant is an out-of-frame deletion of the genomic region encompassing exon(s) 3-4 of the GLI3 gene. This is expected to create a premature translational stop signal and result in an absent or disrupted protein product.

Literature cited by the submitters: PubMed 10441570; PubMed 15739154; PubMed 18000979; PubMed 24736735.